The following is an entry in ClinVar:

NM_138615.3(DHX30):c.1287G>A (p.Gln429=)

Gene: DHX30 (DExH-box helicase 30; plus strand). Cytogenetic location: 3p21.31.
Variant type: single nucleotide variant.
Coding change: c.1287G>A on transcript NM_138615.3 (MANE Select); coding-DNA position 1287, G replaced by A.
Protein change: p.Gln429=; no amino-acid change (glutamine 429 retained).
Molecular consequence: synonymous variant.
Genome position (GRCh38, 1-based): chr3:47,846,359, G>A. VCF-style: chr3-47846359-G-A. GRCh37 (hg19) VCF-style: chr3-47887849-G-A.
Other names: c.1203G>A, p.Gln401= (NM_001330990.2); c.1170G>A, p.Gln390= (NM_014966.4).
Identifiers: ClinVar variation 4873418 (VCV004873418.2).

ClinVar aggregate classification (germline): Likely benign (1 of 4 stars; one submission).

gnomAD v4.1: 220 of 1,613,934 alleles (0.014%); highest among the groups gnomAD compares: Non-Finnish European, 0.017%; no homozygotes.

Submission:

CeGaT Center for Human Genetics Tuebingen
Classification: Likely benign. Last evaluated: 2026-06-01. Review status: criteria provided, single submitter. Criteria: CeGaT Center For Human Genetics Tuebingen Variant Classification Criteria Version 2. Collection method: clinical testing. Allele origin: germline. Affected: yes. Observed: 1 variant allele.
Comment: DHX30: BP4, BP7